The following is an entry in ClinVar:

NM_000085.5(CLCNKB):c.860C>T (p.Ala287Val)

Genes: CLCNKB (chloride voltage-gated channel Kb; plus strand), LOC106501713 (CLCNKB recombination region; plus strand). Cytogenetic location: 1p36.13.
Variant type: single nucleotide variant.
Coding change: c.860C>T on transcript NM_000085.5 (MANE Select); coding-DNA position 860, C replaced by T.
Protein change: p.Ala287Val; replaces alanine 287 with valine.
Molecular consequence: missense variant.
Genome position (GRCh38, 1-based): chr1:16,049,696, C>T. VCF-style: chr1-16049696-C-T. GRCh37 (hg19) VCF-style: chr1-16376191-C-T.
Other names: c.353C>T, p.Ala118Val (NM_001165945.2); short protein forms A287V, A118V.
Identifiers: ClinVar variation 447108 (VCV000447108.26), dbSNP rs7367494, ClinGen allele CA623537.

ClinVar aggregate classification (germline): Benign. Review status: criteria provided, multiple submitters, no conflicts (2 of 4 stars). 12 submissions from 11 submitters: Benign (10). 2 of the submissions do not count toward it. Last evaluated 2026-06-30.

Conditions:
Bartter disease type 3. Also called: Bartter syndrome type 3. Identifiers: Orphanet 112, Orphanet 93605, MedGen C1846343, MONDO:0011822, OMIM 607364.
Bartter disease type 4B. Also called: BARTTER SYNDROME, TYPE 4B, NEONATAL, WITH SENSORINEURAL DEAFNESS; BARTTER SYNDROME, TYPE 4B; Bartter syndrome, type 4b, digenic. Identifiers: Orphanet 112, MedGen C4310805, MONDO:0000909, OMIM 613090.

Allele frequency attached by ClinVar (database versions not stated): TOPMed 0.81984; 1000 Genomes Project 30x 0.82324; gnomAD 0.82537 and 0.83379; 1000 Genomes Project 0.82987; ExAC 0.90963; gnomAD exomes 0.92486.

Submissions (12):

Women's Health and Genetics/Laboratory Corporation of America, LabCorp
Classification: Benign. Last evaluated: 2026-06-30. Review status: criteria provided, single submitter. Criteria: LabCorp Variant Classification Summary - May 2015. Collection method: clinical testing. Allele origin: germline.

Labcorp Genetics (formerly Invitae), Labcorp
Classification: Benign. Last evaluated: 2026-02-04. Review status: criteria provided, single submitter. Criteria: Invitae Variant Classification Sherloc (09022015). Collection method: clinical testing. Allele origin: germline.

Blueprint Genetics
Classification: Benign. Last evaluated: 2024-11-26. Review status: criteria provided, single submitter. Criteria: ACMG Guidelines, 2015. Collection method: clinical testing. Allele origin: germline.

Mayo Clinic Laboratories, Mayo Clinic
Classification: Benign. Last evaluated: 2022-04-26. Review status: criteria provided, single submitter. Criteria: ACMG Guidelines, 2015. Collection method: clinical testing. Allele origin: germline. Observed: 398 variant alleles.

Genome-Nilou Lab
Classification: Benign for Bartter disease type 4B. Last evaluated: 2021-07-22. Review status: criteria provided, single submitter. Criteria: ACMG Guidelines, 2015. Collection method: clinical testing. Allele origin: germline. Affected: no.

Genome-Nilou Lab
Classification: Benign for Bartter disease type 3. Last evaluated: 2021-07-22. Review status: criteria provided, single submitter. Criteria: ACMG Guidelines, 2015. Collection method: clinical testing. Allele origin: germline. Affected: no.

GeneDx
Classification: Benign. Last evaluated: 2018-11-10. Review status: criteria provided, single submitter. Criteria: GeneDx Variant Classification Process June 2021. Collection method: clinical testing. Allele origin: germline. Affected: yes.

Athena Diagnostics
Classification: Benign. Last evaluated: 2017-08-02. Review status: criteria provided, single submitter. Criteria: Athena Diagnostics Criteria. Collection method: clinical testing. Allele origin: germline.

Laboratory for Molecular Medicine, Mass General Brigham Personalized Medicine
Classification: Benign. Last evaluated: 2016-03-21. Review status: criteria provided, single submitter. Criteria: LMM Criteria. Collection method: clinical testing. Allele origin: germline. Observed: 1 variant allele.
Comment: p.Ala287Val in exon 9 of CLCNKB: This variant is not expected to have clinical s ignificance because it has been identified in 99.86% (8047/8058) of East Asian c hromosomes by the Exome Aggregation Consortium (ExAC .org; dbSNP rs7367494).

Breakthrough Genomics
Classification: Benign. Review status: criteria provided, single submitter. Criteria: ACMG Guidelines, 2015. Collection method: not provided. Allele origin: germline. Inheritance: Autosomal recessive inheritance. Affected: yes.

Diagnostic Laboratory, Department of Genetics, University Medical Center Groningen
Classification: Benign. Review status: no assertion criteria provided. Collection method: clinical testing. Allele origin: germline. Affected: yes. Study: VKGL Data-share Consensus. Not counted in ClinVar's aggregate classification.

Joint Genome Diagnostic Labs from Nijmegen and Maastricht, Radboudumc and MUMC+
Classification: Benign. Review status: no assertion criteria provided. Collection method: clinical testing. Allele origin: germline. Affected: yes. Study: VKGL Data-share Consensus. Not counted in ClinVar's aggregate classification.